The following is an entry in ClinVar:

NM_001369268.1(ACAN):c.1510G>T (p.Gly504Trp)

Gene: ACAN (aggrecan; plus strand). Cytogenetic location: 15q26.1.
Variant type: single nucleotide variant.
Coding change: c.1510G>T on transcript NM_001369268.1 (MANE Select); coding-DNA position 1510, G replaced by T.
Protein change: p.Gly504Trp; replaces glycine 504 with tryptophan.
Molecular consequence: missense variant.
Genome position (GRCh38, 1-based): chr15:88,847,323, G>T. VCF-style: chr15-88847323-G-T. GRCh37 (hg19) VCF-style: chr15-89390554-G-T.
Other names: c.1510G>T (NM_013227.3); c.1510G>T, p.Gly504Trp (NM_001135.4, NM_001411096.1, NM_001411097.1 and 1 more transcripts); short protein forms G504W.
Identifiers: ClinVar variation 3616200 (VCV003616200.3).

ClinVar aggregate classification (germline): Uncertain significance. Review status: criteria provided, multiple submitters, no conflicts (2 of 4 stars). 2 submissions from 2 submitters: Uncertain significance (2). Last evaluated 2025-01-31.

gnomAD v4.1: 9 of 1,579,730 alleles (0.00057%); highest among the groups gnomAD compares: African/African-American, 0.012%; no homozygotes.

Submissions (2):

GeneDx
Classification: Uncertain significance. Last evaluated: 2025-01-31. Review status: criteria provided, single submitter. Criteria: GeneDx Variant Classification Process June 2021. Collection method: clinical testing. Allele origin: germline. Affected: yes.
Comment: In silico analysis supports that this missense variant has a deleterious effect on protein structure/function; Has not been previously published as pathogenic or benign to our knowledge

Labcorp Genetics (formerly Invitae), Labcorp
Classification: Uncertain significance. Last evaluated: 2024-10-15. Review status: criteria provided, single submitter. Criteria: Invitae Variant Classification Sherloc (09022015). Collection method: clinical testing. Allele origin: germline.
Comment: This sequence change replaces glycine, which is neutral and non-polar, with tryptophan, which is neutral and slightly polar, at codon 504 of the ACAN protein (p.Gly504Trp). The frequency data for this variant in the population databases is considered unreliable, as metrics indicate poor data quality at this position in the gnomAD database. This variant has not been reported in the literature in individuals affected with ACAN-related conditions. Invitae Evidence Modeling of protein sequence and biophysical properties (such as structural, functional, and spatial information, amino acid conservation, physicochemical variation, residue mobility, and thermodynamic stability) indicates that this missense variant is not expected to disrupt ACAN protein function with a negative predictive value of 80%. In summary, the available evidence is currently insufficient to determine the role of this variant in disease. Therefore, it has been classified as a Variant of Uncertain Significance.